The following is an entry in ClinVar:

ClinVar aggregate classification (germline): Uncertain significance (1 of 4 stars; one submission).

gnomAD v4.1: 31 of 1,597,050 alleles (0.0019%); highest among the groups gnomAD compares: Non-Finnish European, 0.0024%; no homozygotes.

Submission:

GeneDx
Classification: Uncertain significance. Last evaluated: 2024-06-11. Review status: criteria provided, single submitter. Criteria: GeneDx Variant Classification Process June 2021. Collection method: clinical testing. Allele origin: germline. Affected: yes.
Comment: Not observed at significant frequency in large population cohorts (gnomAD); In silico analysis indicates that this missense variant does not alter protein structure/function; Has not been previously published as pathogenic or benign to our knowledge

NM_015937.6(PIGT):c.79C>A (p.Arg27Ser)

Gene: PIGT (phosphatidylinositol glycan anchor biosynthesis class T; plus strand). Cytogenetic location: 20q13.12.
Variant type: single nucleotide variant.
Coding change: c.79C>A on transcript NM_015937.6 (MANE Select); coding-DNA position 79, C replaced by A.
Protein change: p.Arg27Ser; replaces arginine 27 with serine.
Molecular consequence: missense variant. On other transcripts: non-coding transcript variant (5).
Genome position (GRCh38, 1-based): chr20:45,416,235, C>A. VCF-style: chr20-45416235-C-A. GRCh37 (hg19) VCF-style: chr20-44044875-C-A.
Other names: c.79C>A, p.Arg27Ser (NM_001184728.3, NM_001184729.3, NM_001184730.3); short protein forms R27S.
Identifiers: ClinVar variation 3390618 (VCV003390618.1).
Genomic context (GRCh38, chr20:45,416,235, plus strand): 5'-CTTGCTCTGCTCGTCCTGTTGCTCCTGGGGCCCGGCGGCTGGTGCCTTGCAGAACCCCCA[C>A]GCGACAGCCTGCGGGAGGAACTTGTCATCACCCCGCTGCCTTCCGGGGACGTAGCCGCCA-3'
Protein context (NP_057021.2, residues 17-37): PGGWCLAEPP[Arg27Ser]DSLREELVIT